The following is an entry in ClinVar:

NM_001142730.3(KCTD1):c.1791T>C (p.Ala597=)

Gene: KCTD1 (potassium channel tetramerization domain containing 1; minus strand). Cytogenetic location: 18q11.2.
Variant type: single nucleotide variant.
Coding change: c.1791T>C on transcript NM_001142730.3 (MANE Select); coding-DNA position 1791, T replaced by C.
Protein change: p.Ala597=; no amino-acid change (alanine 597 retained).
Molecular consequence: synonymous variant. On other transcripts: intron variant (5).
Genome position (GRCh38, 1-based): chr18:26,546,746, A>G on the plus strand (T>C on the coding strand, the complement: KCTD1 is on the minus strand). VCF-style: chr18-26546746-A-G. GRCh37 (hg19) VCF-style: chr18-24126710-A-G.
Other names: c.10-45496T>C (NM_001258222.3); c.-15-45496T>C (NM_198991.4); c.-16+2983T>C (NM_001258221.2); c.-16+2498T>C (NM_001351443.1); c.-16+2145T>C (NM_001136205.2).
Identifiers: ClinVar variation 3042305 (VCV003042305.2), dbSNP rs569158282, ClinGen allele CA8922382.

ClinVar aggregate classification (germline): Likely benign (0 of 4 stars; one submission).

Conditions:
KCTD1-related disorder. Also called: KCTD1-related condition.

Allele frequency attached by ClinVar (database versions not stated): ExAC 0.00006; gnomAD 0.00007; TOPMed 0.00011; gnomAD exomes 0.00012.
gnomAD v4.1: 174 of 1,549,328 alleles (0.011%); highest among the groups gnomAD compares: Non-Finnish European, 0.015%; no homozygotes.

Submission:

PreventionGenetics, part of Exact Sciences
Classification: Likely benign for KCTD1-related condition. Last evaluated: 2019-05-10. Review status: no assertion criteria provided. Collection method: clinical testing. Allele origin: germline.
Comment: This variant is classified as likely benign based on ACMG/AMP sequence variant interpretation guidelines (Richards et al. 2015 PMID: 25741868, with internal and published modifications).